The following is an entry in ClinVar:

ClinVar aggregate classification (germline): Uncertain significance (1 of 4 stars; one submission).

Conditions:
RYR1-related disorder. Also called: RYR1-related condition; RYR1-related disorders. Identifiers: MedGen CN239331.

Submission:

Labcorp Genetics (formerly Invitae), Labcorp
Classification: Uncertain significance for RYR1-related disorder. Last evaluated: 2025-10-29. Review status: criteria provided, single submitter. Criteria: Invitae Variant Classification Sherloc (09022015). Collection method: clinical testing. Allele origin: germline.
Comment: This sequence change falls in intron 1 of the RYR1 gene. It does not directly change the encoded amino acid sequence of the RYR1 protein. It affects a nucleotide within the consensus splice site. This variant is not present in population databases (gnomAD no frequency). This variant has not been reported in the literature in individuals affected with RYR1-related conditions. ClinVar contains an entry for this variant (Variation ID: 3625652). Variants that disrupt the consensus splice site are a relatively common cause of aberrant splicing (PMID: 17576681, 9536098). Algorithms developed to predict the effect of sequence changes on RNA splicing suggest that this variant is not likely to affect RNA splicing. In summary, the available evidence is currently insufficient to determine the role of this variant in disease. Therefore, it has been classified as a Variant of Uncertain Significance.

Literature cited by the submitters: PubMed 17576681; PubMed 9536098.

NM_000540.3(RYR1):c.45+4C>T

Gene: RYR1 (ryanodine receptor 1; plus strand). Cytogenetic location: 19q13.2.
Variant type: single nucleotide variant.
Coding change: c.45+4C>T on transcript NM_000540.3 (MANE Select); 4 bases into the intron after coding-DNA position 45, C replaced by T.
Molecular consequence: intron variant.
Genome position (GRCh38, 1-based): chr19:38,433,878, C>T. VCF-style: chr19-38433878-C-T. GRCh37 (hg19) VCF-style: chr19-38924518-C-T.
Other names: c.45+4C>T (NM_001042723.2).
Identifiers: ClinVar variation 3625652 (VCV003625652.2).
Genomic context (GRCh38, chr19:38,433,878, plus strand): 5'-GACCTCGACATCATGGGTGACGCAGAAGGCGAAGACGAGGTCCAGTTCCTGCGGACGGTG[C>T]GTATCTCTGGGTTAGGGGCCTGTGGGGCTATCTCTTGGGGCTCTCTGAGGGTCTCTCTGT-3'